The following is an entry in ClinVar:

ClinVar aggregate classification (germline): Conflicting classifications of pathogenicity. Review status: criteria provided, conflicting classifications (1 of 4 stars). 4 submissions from 4 submitters: Uncertain significance (2); Likely benign (1). 1 of the submissions does not count toward it. Last evaluated 2025-12-30.

Conditions:
PEX26-related disorder. Also called: PEX26-related condition.
Peroxisome biogenesis disorder 7A (Zellweger). Also called: Peroxisome biogenesis disorder 7A. Identifiers: Orphanet 912, MedGen C3888385, MONDO:0013938, OMIM 614872.
Peroxisome biogenesis disorder 7B (PBD7B). Identifiers: Orphanet 44, MedGen C3553951, MONDO:0013939, OMIM 614873.

Allele frequency attached by ClinVar (database versions not stated): gnomAD 0.00016; gnomAD exomes 0.00015 and 0.00009; TOPMed 0.00018; ESP Exome Variant Server 0.00019.
gnomAD v4.1: 160 of 1,573,312 alleles (0.01%); highest among the groups gnomAD compares: Non-Finnish European, 0.009%; no homozygotes.

Submissions (4):

Labcorp Genetics (formerly Invitae), Labcorp
Classification: Likely benign for Peroxisome biogenesis disorder 7A (Zellweger); Peroxisome biogenesis disorder 7B. Last evaluated: 2025-12-30. Review status: criteria provided, single submitter. Criteria: Invitae Variant Classification Sherloc (09022015). Collection method: clinical testing. Allele origin: germline.

Eurofins Ntd Llc (ga)
Classification: Uncertain significance. Last evaluated: 2018-04-27. Review status: criteria provided, single submitter. Criteria: EGL ClinVar v180209 classification definitions. Collection method: clinical testing. Allele origin: germline. Observed: 2 variant alleles, 2 heterozygotes.

Illumina Laboratory Services, Illumina
Classification: Uncertain significance for Peroxisome biogenesis disorder 7A (Zellweger). Last evaluated: 2018-01-13. Review status: criteria provided, single submitter. Criteria: ICSL Variant Classification Criteria 13 December 2019. Collection method: clinical testing. Allele origin: germline.

PreventionGenetics, part of Exact Sciences
Classification: Uncertain significance for PEX26-related condition. Last evaluated: 2024-03-25. Review status: no assertion criteria provided. Collection method: clinical testing. Allele origin: germline. Not counted in ClinVar's aggregate classification.
Comment: The PEX26 c.98C>T variant is predicted to result in the amino acid substitution p.Pro33Leu. To our knowledge, this variant has not been reported in the literature. This variant is reported in 0.15% of alleles in individuals of Ashkenazi Jewish descent in gnomAD, which is more common than expected for a primary cause of disease. Although we suspect this variant may be benign, at this time the clinical significance is uncertain due to the absence of conclusive functional and genetic evidence.

NM_001127649.3(PEX26):c.98C>T (p.Pro33Leu)

Gene: PEX26 (peroxisomal biogenesis factor 26; plus strand). Cytogenetic location: 22q11.21.
Variant type: single nucleotide variant.
Coding change: c.98C>T on transcript NM_001127649.3 (MANE Select); coding-DNA position 98, C replaced by T.
Protein change: p.Pro33Leu; replaces proline 33 with leucine.
Molecular consequence: missense variant.
Genome position (GRCh38, 1-based): chr22:18,078,474, C>T. VCF-style: chr22-18078474-C-T. GRCh37 (hg19) VCF-style: chr22-18561240-C-T.
Other names: c.98C>T, p.Pro33Leu (NM_001199319.2, NM_017929.6); short protein forms P33L.
Identifiers: ClinVar variation 597004 (VCV000597004.15), dbSNP rs368118099, ClinGen allele CA10093221.
Genomic context (GRCh38, chr22:18,078,474, plus strand): 5'-GGGGGCTCGGGGGACCCCTGCGCAGCAGCGAGCCGGTGCGCGCGGTCCCGGCCCGGGCGC[C>T]GGCCGTGGACCTTCTGGAGGAGGCGGCCGACCTCCTGGTGGTGCACCTGGACTTCCGGGC-3'
Protein context (NP_001121121.1, residues 23-43): EPVRAVPARA[Pro33Leu]AVDLLEEAAD